The following is an entry in ClinVar:

ClinVar aggregate classification (germline): Pathogenic (1 of 4 stars; one submission).

Conditions:
Achromatopsia 3 (ACHM3). Also called: ACHROMATOPSIA WITH MYOPIA; PINGELAPESE BLINDNESS; TOTAL COLORBLINDNESS WITH MYOPIA; ROD MONOCHROMACY 1; ROD MONOCHROMATISM 1. Identifiers: Orphanet 49382, MedGen C1849792, MONDO:0009875, OMIM 262300.

Submission:

Myriad Genetics, Inc.
Classification: Pathogenic for Achromatopsia 3. Last evaluated: 2023-12-09. Review status: criteria provided, single submitter. Criteria: Myriad Autosomal Dominant, Autosomal Recessive and X-Linked Classification Criteria (2023). Collection method: clinical testing. Allele origin: unknown.
Comment: NM_019098.4(CNGB3):c.371dupT(N125Kfs*2) is expected to be pathogenic in the context of achromatopsia, CNGB3-related. This variant is predicted to lead to an abnormal or absent protein product due to the creation of a premature termination codon in CNGB3, a gene where loss-of-function variants are known to be pathogenic. Please note: this variant was assessed in the context of healthy population screening.

NM_019098.5(CNGB3):c.371dup (p.Asn125fs)

Gene: CNGB3 (cyclic nucleotide gated channel subunit beta 3; minus strand). Cytogenetic location: 8q21.3.
Variant type: Duplication.
Coding change: c.371dup on transcript NM_019098.5 (MANE Select); coding-DNA position 371, one base duplicated (T; older notation c.371dupT).
Protein change: p.Asn125fs; shifts the reading frame from asparagine 125.
Molecular consequence: frameshift variant.
Genome position (GRCh38, 1-based): chr8:86,671,066, A duplicated on the plus strand (T on the coding strand, the reverse complement: CNGB3 is on the minus strand). VCF-style (leftmost placement, unchanged base first): chr8-86671065-T-TA. GRCh37 (hg19) VCF-style: chr8-87683293-T-TA.
Other names: short protein forms N125fs.
Identifiers: ClinVar variation 5012556 (VCV005012556.1).